The following is an entry in ClinVar:

NM_005909.5(MAP1B):c.3810C>A (p.Thr1270=)

Gene: MAP1B (microtubule associated protein 1B; plus strand). Cytogenetic location: 5q13.2.
Variant type: single nucleotide variant.
Coding change: c.3810C>A on transcript NM_005909.5 (MANE Select); coding-DNA position 3810, C replaced by A.
Protein change: p.Thr1270=; no amino-acid change (threonine 1270 retained).
Molecular consequence: synonymous variant.
Genome position (GRCh38, 1-based): chr5:72,197,165, C>A. VCF-style: chr5-72197165-C-A. GRCh37 (hg19) VCF-style: chr5-71492992-C-A.
Other names: c.3432C>A, p.Thr1144= (NM_001324255.2).
Identifiers: ClinVar variation 786530 (VCV000786530.6), dbSNP rs79516161, ClinGen allele CA3299054.

ClinVar aggregate classification (germline): Benign. Review status: criteria provided, single submitter (1 of 4 stars). 2 submissions from 2 submitters: Benign (1). 1 of the submissions does not count toward it. Last evaluated 2019-12-31.

Conditions:
MAP1B-related disorder. Also called: MAP1B-related condition.

Allele frequency attached by ClinVar (database versions not stated): 1000 Genomes Project 0.00100; 1000 Genomes Project 30x 0.00109; TOPMed 0.00174; ESP Exome Variant Server 0.00192.
gnomAD v4.1: 470 of 1,614,122 alleles (0.029%); highest among the groups gnomAD compares: African/African-American, 0.52%; 2 homozygotes.

Submissions (2):

Labcorp Genetics (formerly Invitae), Labcorp
Classification: Benign. Last evaluated: 2019-12-31. Review status: criteria provided, single submitter. Criteria: Invitae Variant Classification Sherloc (09022015). Collection method: clinical testing. Allele origin: germline.

PreventionGenetics, part of Exact Sciences
Classification: Likely benign for MAP1B-related condition. Last evaluated: 2019-05-20. Review status: no assertion criteria provided. Collection method: clinical testing. Allele origin: germline. Not counted in ClinVar's aggregate classification.
Comment: This variant is classified as likely benign based on ACMG/AMP sequence variant interpretation guidelines (Richards et al. 2015 PMID: 25741868, with internal and published modifications).